The following is an entry in ClinVar:

ClinVar aggregate classification (germline): Conflicting classifications of pathogenicity. Review status: criteria provided, conflicting classifications (1 of 4 stars). 5 submissions from 5 submitters: Uncertain significance (4); Likely benign (1). Last evaluated 2025-03-04.

Conditions:
Birt-Hogg-Dube syndrome. Also called: Birt Hogg Dubé syndrome. Identifiers: Orphanet 122, MedGen C0346010, MONDO:0800444.
Birt-Hogg-Dube syndrome 1 (BHD1). Also called: FIBROFOLLICULOMAS WITH TRICHODISCOMAS AND ACROCHORDONS. Identifiers: Orphanet 122, MedGen CN375946, MONDO:0800445, OMIM 135150.
Hereditary cancer-predisposing syndrome. Also called: Tumor predisposition; Hereditary neoplastic syndrome; Neoplastic Syndromes, Hereditary; Hereditary Cancer Syndrome. Identifiers: Orphanet 140162, MedGen C0027672, MeSH D009386, MONDO:0015356.

Allele frequency attached by ClinVar (database versions not stated): gnomAD 0.00001; gnomAD exomes 0.00001; TOPMed 0.00001.
gnomAD v4.1: 17 of 1,614,066 alleles (0.0011%); highest among the groups gnomAD compares: Non-Finnish European, 0.0014%; no homozygotes.

Submissions (5):

Center for Genomic Medicine, Rigshospitalet, Copenhagen University Hospital
Classification: Uncertain significance. Last evaluated: 2025-03-04. Review status: criteria provided, single submitter. Criteria: ACMG Guidelines, 2015. Collection method: clinical testing. Allele origin: germline.

Labcorp Genetics (formerly Invitae), Labcorp
Classification: Uncertain significance for Birt-Hogg-Dube syndrome. Last evaluated: 2024-08-15. Review status: criteria provided, single submitter. Criteria: Invitae Variant Classification Sherloc (09022015). Collection method: clinical testing. Allele origin: germline.
Comment: This sequence change replaces serine, which is neutral and polar, with phenylalanine, which is neutral and non-polar, at codon 567 of the FLCN protein (p.Ser567Phe). This variant is present in population databases (no rsID available, gnomAD 0.003%). This variant has not been reported in the literature in individuals affected with FLCN-related conditions. ClinVar contains an entry for this variant (Variation ID: 938559). An algorithm developed to predict the effect of missense changes on protein structure and function (PolyPhen-2) suggests that this variant is likely to be disruptive. In summary, the available evidence is currently insufficient to determine the role of this variant in disease. Therefore, it has been classified as a Variant of Uncertain Significance.

Baylor Genetics
Classification: Uncertain significance for Birt-Hogg-Dube syndrome 1. Last evaluated: 2023-12-14. Review status: criteria provided, single submitter. Criteria: ACMG Guidelines, 2015. Collection method: clinical testing. Allele origin: unknown.

Quest Diagnostics Nichols Institute San Juan Capistrano
Classification: Uncertain significance. Last evaluated: 2023-09-12. Review status: criteria provided, single submitter. Criteria: Quest Diagnostics criteria. Collection method: clinical testing. Allele origin: unknown.
Comment: In the published literature, this variant has been reported in an unaffected individual (PMID: 29641532 (2018)). The frequency of this variant in the general population, 0.000026 (3/113768 chromosomes (Genome Aggregation Database)), is uninformative in the assessment of its pathogenicity. Analysis of this variant using bioinformatics tools for the prediction of the effect of amino acid changes on protein structure and function yielded predictions that this variant is damaging. Based on the available information, we are unable to determine the clinical significance of this variant.

Ambry Genetics
Classification: Likely benign for Hereditary cancer-predisposing syndrome. Last evaluated: 2023-03-10. Review status: criteria provided, single submitter. Criteria: Ambry Variant Classification Scheme 2023. Collection method: clinical testing. Allele origin: germline.

Literature cited by the submitters: PubMed 29641532 (cited by Quest Diagnostics Nichols Institute San Juan Capistrano and Ambry Genetics).

NM_144997.7(FLCN):c.1700C>T (p.Ser567Phe)

Gene: FLCN (folliculin; minus strand). Cytogenetic location: 17p11.2.
Variant type: single nucleotide variant.
Coding change: c.1700C>T on transcript NM_144997.7 (MANE Select); coding-DNA position 1700, C replaced by T.
Protein change: p.Ser567Phe; replaces serine 567 with phenylalanine.
Molecular consequence: missense variant.
Genome position (GRCh38, 1-based): chr17:17,213,695, G>A on the plus strand (C>T on the coding strand, the complement: FLCN is on the minus strand). VCF-style: chr17-17213695-G-A. GRCh37 (hg19) VCF-style: chr17-17117009-G-A.
Other names: c.1754C>T, p.Ser585Phe (NM_001353229.2); c.1700C>T, p.Ser567Phe (NM_001353230.2, NM_001353231.2); c.1700C>T (NM_144997.6); short protein forms S567F, S585F.
Identifiers: ClinVar variation 938559 (VCV000938559.15), dbSNP rs1466102804, ClinGen allele CA398529819.